The following is an entry in ClinVar:

ClinVar aggregate classification (germline): Uncertain significance (1 of 4 stars; one submission).

Submission:

Ambry Genetics
Classification: Uncertain significance. Last evaluated: 2022-12-31. Review status: criteria provided, single submitter. Criteria: Ambry Variant Classification Scheme 2023. Collection method: clinical testing. Allele origin: germline.
Comment: The p.V1372G variant (also known as c.4115T>G), located in coding exon 4 of the ALPK2 gene, results from a T to G substitution at nucleotide position 4115. The valine at codon 1372 is replaced by glycine, an amino acid with dissimilar properties. This amino acid position is conserved. In addition, this alteration is predicted to be tolerated by in silico analysis. Since supporting evidence is limited at this time, the clinical significance of this alteration remains unclear.

NM_052947.4(ALPK2):c.4115T>G (p.Val1372Gly)

Genes: ALPK2 (alpha kinase 2; minus strand), LOC126862764 (BRD4-independent group 4 enhancer GRCh37_chr18:56202574-56203773; plus strand). Cytogenetic location: 18q21.31.
Variant type: single nucleotide variant.
Coding change: c.4115T>G on transcript NM_052947.4 (MANE Select); coding-DNA position 4115, T replaced by G.
Protein change: p.Val1372Gly; replaces valine 1372 with glycine.
Molecular consequence: missense variant.
Genome position (GRCh38, 1-based): chr18:58,536,072, A>C on the plus strand (T>G on the coding strand, the complement: ALPK2 is on the minus strand). VCF-style: chr18-58536072-A-C. GRCh37 (hg19) VCF-style: chr18-56203304-A-C.
Other names: short protein forms V1372G.
Identifiers: ClinVar variation 2449247 (VCV002449247.2), dbSNP rs2051645038, ClinGen allele CA402564248.
Genomic context (GRCh38, chr18:58,536,072, plus strand): 5'-AACTTTTTAAAGAAGGCAGTGTGATCCATCTTGAGTTGTTTTTCCTCCTGGTCTTGACTC[A>C]CATTGTTAACATTTTCCTTCCCTCCAGTTTCAGAAGCCGCTGACAGTGAATCTGTGACAG-3'
Protein context (NP_443179.3, residues 1362-1382): ETGGKENVNN[Val1372Gly]SQDQEEKQLK